The following is an entry in ClinVar:

NM_000168.6(GLI3):c.1835C>T (p.Pro612Leu)

Gene: GLI3 (GLI family zinc finger 3; minus strand). Cytogenetic location: 7p14.1.
Variant type: single nucleotide variant.
Coding change: c.1835C>T on transcript NM_000168.6 (MANE Select); coding-DNA position 1835, C replaced by T.
Protein change: p.Pro612Leu; replaces proline 612 with leucine.
Molecular consequence: missense variant.
Genome position (GRCh38, 1-based): chr7:41,972,605, G>A on the plus strand (C>T on the coding strand, the complement: GLI3 is on the minus strand). VCF-style: chr7-41972605-G-A. GRCh37 (hg19) VCF-style: chr7-42012204-G-A.
Other names: short protein forms P612L.
Identifiers: ClinVar variation 2132663 (VCV002132663.4), dbSNP rs1787394874, ClinGen allele CA367322816.
Genomic context (GRCh38, chr7:41,972,605, plus strand): 5'-TGCACTGTCTTCACATGTTTCCGGAGGGAGCTTGGGTCTGTGTAACGCTTAGTGCAGCCT[G>A]GGATTTTGCACACATATGGTTTCTGCCAAATCCCACAAGAACGAGGTAAGAGATTGTTAT-3'
Protein context (NP_000159.3, residues 602-622): SNEKPYVCKI[Pro612Leu]GCTKRYTDPS

ClinVar aggregate classification (germline): Uncertain significance (1 of 4 stars; one submission).

Conditions:
Pallister-Hall syndrome (PHS). Also called: HYPOTHALAMIC HAMARTOBLASTOMA, HYPOPITUITARISM, IMPERFORATE ANUS, AND POSTAXIAL POLYDACTYLY; GLI3-Related Pallister-Hall Syndrome. Identifiers: Orphanet 672, MedGen C0265220, MONDO:0007804, OMIM 146510.
Greig cephalopolysyndactyly syndrome (GCPS). Also called: Greig syndrome; GLI3-Related Greig Cephalopolysyndactyly Syndrome; POLYSYNDACTYLY WITH PECULIAR SKULL SHAPE. Identifiers: Orphanet 380, MedGen C0265306, MONDO:0008287, OMIM 175700.

Allele frequency attached by ClinVar (database versions not stated): gnomAD 0.00001.
gnomAD v4.1: 1 of 1,605,904 alleles (0.000062%); highest among the groups gnomAD compares: Admixed American, 0.0017%; no homozygotes.

Submission:

Labcorp Genetics (formerly Invitae), Labcorp
Classification: Uncertain significance for Pallister-Hall syndrome; Greig cephalopolysyndactyly syndrome. Last evaluated: 2022-10-02. Review status: criteria provided, single submitter. Criteria: Invitae Variant Classification Sherloc (09022015). Collection method: clinical testing. Allele origin: germline.
Comment: In summary, the available evidence is currently insufficient to determine the role of this variant in disease. Therefore, it has been classified as a Variant of Uncertain Significance. Advanced modeling of protein sequence and biophysical properties (such as structural, functional, and spatial information, amino acid conservation, physicochemical variation, residue mobility, and thermodynamic stability) performed at Invitae indicates that this missense variant is expected to disrupt GLI3 protein function. This sequence change replaces proline, which is neutral and non-polar, with leucine, which is neutral and non-polar, at codon 612 of the GLI3 protein (p.Pro612Leu). This variant has not been reported in the literature in individuals affected with GLI3-related conditions. This variant is not present in population databases (gnomAD no frequency).